The following is an entry in ClinVar:

ClinVar aggregate classification (germline): Pathogenic (1 of 4 stars; one submission).

Conditions:
Lynch syndrome 4 (LYNCH4). Also called: Hereditary non-polyposis colorectal cancer, type 4; Colorectal cancer, hereditary nonpolyposis, type 4. Identifiers: Orphanet 144, MedGen C1838333, MONDO:0013699, OMIM 614337. Disease mechanism: loss of function.

Submission:

Myriad Genetics, Inc.
Classification: Pathogenic for Lynch syndrome 4. Last evaluated: 2023-09-22. Review status: criteria provided, single submitter. Criteria: Myriad Autosomal Dominant, Autosomal Recessive and X-Linked Classification Criteria (2023). Collection method: clinical testing. Allele origin: unknown.
Comment: This variant is considered pathogenic. This variant creates a frameshift predicted to result in premature protein truncation.

NM_000535.7(PMS2):c.2320_2321insT (p.Lys774fs)

Gene: PMS2 (PMS1 homolog 2, mismatch repair system component; minus strand). Cytogenetic location: 7p22.1.
Variant type: Insertion.
Coding change: c.2320_2321insT on transcript NM_000535.7 (MANE Select); coding-DNA positions 2320 to 2321, T inserted.
Protein change: p.Lys774fs; shifts the reading frame from lysine 774.
Molecular consequence: frameshift variant. On other transcripts: non-coding transcript variant (1).
Genome position: GRCh38 VCF-style: chr7-5977712-T-TA. GRCh37 (hg19) VCF-style: chr7-6017343-T-TA.
Other names: c.1915_1916insT, p.Lys639Ilefs (NM_001018040.1); c.1915_1916insT, p.Lys639fs (NM_001322003.2, NM_001322004.2, NM_001322005.2 and 11 more transcripts); c.2164_2165insT, p.Lys722fs (NM_001322006.2); c.2002_2003insT, p.Lys668fs (NM_001322007.2, NM_001322008.2, NM_001406883.1); c.1948_1949insT, p.Lys650fs (NM_001322009.2, NM_001406887.1, NM_001406888.1); c.1759_1760insT, p.Lys587fs (NM_001322010.2, NM_001406906.1, NM_001406907.1); c.1387_1388insT, p.Lys463fs (NM_001322011.2, NM_001322012.2); c.1747_1748insT, p.Lys583fs (NM_001322013.2, NM_001406908.1, NM_001406909.1); and 21 more; short protein forms K373fs, K463fs, K517fs, K535fs, K583fs, K587fs, K603fs, K612fs.
Identifiers: ClinVar variation 2674255 (VCV002674255.1), dbSNP rs2535333500, ClinGen allele CA2695198402.